The following is an entry in ClinVar:

ClinVar aggregate classification (germline): Pathogenic (1 of 4 stars; one submission).

Conditions:
Hypertrophic cardiomyopathy. Also called: HYPERTROPHIC MYOCARDIOPATHY. Identifiers: Orphanet 217569, MedGen C0007194, MeSH D002312, MONDO:0005045, HP:0001639.

Submission:

Labcorp Genetics (formerly Invitae), Labcorp
Classification: Pathogenic for Hypertrophic cardiomyopathy. Last evaluated: 2025-10-19. Review status: criteria provided, single submitter. Criteria: Invitae Variant Classification Sherloc (09022015). Collection method: clinical testing. Allele origin: germline.
Comment: This sequence change creates a premature translational stop signal (p.Pro147Leufs*12) in the MYBPC3 gene. It is expected to result in an absent or disrupted protein product. Loss-of-function variants in MYBPC3 are known to be pathogenic (PMID: 19574547). This variant is not present in population databases (gnomAD no frequency). This variant has not been reported in the literature in individuals affected with MYBPC3-related conditions. ClinVar contains an entry for this variant (Variation ID: 650481). For these reasons, this variant has been classified as Pathogenic.

Literature cited by the submitters: PubMed 19574547.

NM_000256.3(MYBPC3):c.440del (p.Pro147fs)

Gene: MYBPC3 (myosin binding protein C3; minus strand). Cytogenetic location: 11p11.2.
Variant type: Deletion.
Coding change: c.440del on transcript NM_000256.3 (MANE Select); coding-DNA position 440, one base deleted (C; older notation c.440delC).
Protein change: p.Pro147fs; shifts the reading frame from proline 147.
Molecular consequence: frameshift variant.
Genome position (GRCh38, 1-based): chr11:47,350,079, G deleted on the plus strand (C on the coding strand, the reverse complement: MYBPC3 is on the minus strand); the first of 4 consecutive G bases (chr11:47,350,079-47,350,082); deleting any one gives the same sequence. VCF-style (leftmost placement, unchanged base first): chr11-47350078-AG-A. GRCh37 (hg19) VCF-style: chr11-47371629-AG-A.
Other names: c.440delC (NM_000256.3); short protein forms P147fs.
Identifiers: ClinVar variation 650481 (VCV000650481.6), dbSNP rs1595849931, ClinGen allele CA915948164.